The following is an entry in ClinVar:

ClinVar aggregate classification (germline): Uncertain significance. Review status: criteria provided, multiple submitters, no conflicts (2 of 4 stars). 10 submissions from 9 submitters: Uncertain significance (8). 2 of the submissions do not count toward it. Last evaluated 2026-01-28.

Conditions:
Breast and/or ovarian cancer. Identifiers: MedGen CN221562.
Ovarian cancer. Also called: OVARIAN CANCER, SOMATIC. Identifiers: Orphanet 213500, MedGen C1140680, MONDO:0008170, OMIM 167000.
Hereditary cancer-predisposing syndrome. Also called: Tumor predisposition; Hereditary Cancer Syndrome; Hereditary neoplastic syndrome; Neoplastic Syndromes, Hereditary. Identifiers: Orphanet 140162, MedGen C0027672, MeSH D009386, MONDO:0015356.
Familial cancer of breast. Also called: BREAST CANCER, FAMILIAL; hereditary breast carcinoma; Hereditary breast cancer. Identifiers: Orphanet 227535, MedGen C0346153, MONDO:0016419, OMIM 114480. Disease mechanism: loss of function.
Fanconi anemia complementation group J. Also called: BRIP1-Related Fanconi Anemia. Identifiers: Orphanet 84, MedGen C1836860, MONDO:0012187, OMIM 609054.

Allele frequency attached by ClinVar (database versions not stated): gnomAD 0.00001; TOPMed 0.00001; gnomAD exomes below 0.00001.
gnomAD v4.1: 3 of 1,613,914 alleles (0.00019%); highest among the groups gnomAD compares: Non-Finnish European, 0.00025%; no homozygotes.

Submissions (10):

Labcorp Genetics (formerly Invitae), Labcorp
Classification: Uncertain significance for Familial cancer of breast; Fanconi anemia complementation group J. Last evaluated: 2026-01-28. Review status: criteria provided, single submitter. Criteria: Invitae Variant Classification Sherloc (09022015). Collection method: clinical testing. Allele origin: germline.
Comment: This sequence change replaces leucine, which is neutral and non-polar, with proline, which is neutral and non-polar, at codon 347 of the BRIP1 protein (p.Leu347Pro). This variant is not present in population databases (gnomAD no frequency). This missense change has been observed in individual(s) with breast cancer (PMID: 25452441). ClinVar contains an entry for this variant (Variation ID: 184958). Invitae Evidence Modeling of protein sequence and biophysical properties (such as structural, functional, and spatial information, amino acid conservation, physicochemical variation, residue mobility, and thermodynamic stability) indicates that this missense variant is expected to disrupt BRIP1 protein function with a positive predictive value of 95%. Experimental studies have shown that this missense change affects BRIP1 function (PMID: 33619228). In summary, the available evidence is currently insufficient to determine the role of this variant in disease. Therefore, it has been classified as a Variant of Uncertain Significance.

Women's Health and Genetics/Laboratory Corporation of America, LabCorp
Classification: Uncertain significance. Last evaluated: 2025-02-03. Review status: criteria provided, single submitter. Criteria: LabCorp Variant Classification Summary - May 2015. Collection method: clinical testing. Allele origin: germline.
Comment: Variant summary: BRIP1 c.1040T>C (p.Leu347Pro) results in a non-conservative amino acid change located in the Helicase superfamily 1/2, ATP-binding domain (IPR014013) of the encoded protein sequence. Three of five in-silico tools predict a damaging effect of the variant on protein function. The variant was absent in 251330 control chromosomes. The available data on variant occurrences in the general population are insufficient to allow any conclusion about variant significance. c.1040T>C has been reported in the literature in unspecified individual(s) affected with Hereditary Breast And/or Ovarian Cancer Syndrome (Couch_2015). These report(s) do not provide unequivocal conclusions about association of the variant with Hereditary Breast And Ovarian Cancer Syndrome. At least one publication reports experimental evidence evaluating an impact on protein function, and the data showed that this variant fail to confer inter-strand crosslinks (ICL) resistance in an in vitro cellular assay, but the data requires further elaboration (Calvo_2021). The following publications have been ascertained in the context of this evaluation (PMID: 33619228, 25452441). ClinVar contains an entry for this variant (Variation ID: 184958). Based on the evidence outlined above, the variant was classified as uncertain significance.

Ambry Genetics
Classification: Uncertain significance for Hereditary cancer-predisposing syndrome. Last evaluated: 2024-09-21. Review status: criteria provided, single submitter. Criteria: Ambry Variant Classification Scheme 2023. Collection method: clinical testing. Allele origin: germline.
Comment: The p.L347P variant (also known as c.1040T>C), located in coding exon 7 of the BRIP1 gene, results from a T to C substitution at nucleotide position 1040. The leucine at codon 347 is replaced by proline, an amino acid with similar properties. This alteration was detected in 1/1824 patients with triple negative breast cancer, who were unselected for a family history of breast or ovarian cancer (Couch FJ et al. J. Clin. Oncol. 2015 Feb;33:304-11). However, in two other studies this variant has not been observed in breast or ovarian cases but has been seen in controls (Ramus SJ et al. J. Natl. Cancer Inst. 2015 Nov;107; Weber-Lassalle N et al. Breast Cancer Res. 2018 Jan;20:7). In one study, this alteration was classified as a loss of function mutation based on its failure to confer resistance to either cisplatin or mitomycin C treatment (Calvo JA et al. Mol Cancer Res, 2021 06;19:1015-1025). This amino acid position is well conserved in available vertebrate species. In addition, the in silico prediction for this alteration is inconclusive. Based on the available evidence, the clinical significance of this variant remains unclear.

GeneDx
Classification: Uncertain significance. Last evaluated: 2024-04-01. Review status: criteria provided, single submitter. Criteria: GeneDx Variant Classification Process June 2021. Collection method: clinical testing. Allele origin: germline. Affected: yes.
Comment: Not observed at significant frequency in large population cohorts (gnomAD); In silico analysis supports that this missense variant has a deleterious effect on protein structure/function; Published functional studies suggest a damaging effect: failed to confer resistance to inter-strand crosslink-inducing agents (PMID: 33619228); Observed in individuals with breast cancer, but also in healthy control subjects (PMID: 29368626, 26315354, 25452441); This variant is associated with the following publications: (PMID: 25452441, 26315354, 29368626, 33619228)

Baylor Genetics
Classification: Uncertain significance for Familial cancer of breast. Last evaluated: 2024-02-18. Review status: criteria provided, single submitter. Criteria: ACMG Guidelines, 2015. Collection method: clinical testing. Allele origin: unknown.

Myriad Genetics, Inc.
Classification: Uncertain significance for Familial cancer of breast. Last evaluated: 2023-02-28. Review status: criteria provided, single submitter. Criteria: Myriad Autosomal Dominant, Autosomal Recessive and X-Linked Classification Criteria (2023). Collection method: clinical testing. Allele origin: unknown.
Comment: This variant is classified as a variant of uncertain significance as there is insufficient evidence to determine its impact on protein function and/or cancer risk.

CHEO Genetics Diagnostic Laboratory, Children's Hospital of Eastern Ontario
Classification: Uncertain significance for Breast and/or ovarian cancer. Last evaluated: 2022-12-15. Review status: criteria provided, single submitter. Criteria: ACMG Guidelines, 2015. Collection method: clinical testing. Allele origin: germline.

Color Diagnostics, LLC DBA Color Health
Classification: Uncertain significance for Hereditary cancer-predisposing syndrome. Last evaluated: 2019-02-10. Review status: criteria provided, single submitter. Criteria: ACMG Guidelines, 2015. Collection method: clinical testing. Allele origin: germline.

Counsyl
Classification: Uncertain significance for Fanconi anemia complementation group J. Last evaluated: 2016-08-22. Review status: no assertion criteria provided. Collection method: clinical testing. Allele origin: unknown. Not counted in ClinVar's aggregate classification.

Counsyl
Classification: Uncertain significance for Ovarian cancer. Last evaluated: 2016-08-22. Review status: no assertion criteria provided. Collection method: clinical testing. Allele origin: unknown. Not counted in ClinVar's aggregate classification.

Literature cited by the submitters: PubMed 25452441 (cited by 4 submitters); PubMed 33619228 (cited by 3 submitters); PubMed 26315354 (cited by Ambry Genetics and Counsyl); PubMed 29368626 (cited by Ambry Genetics).

NM_032043.3(BRIP1):c.1040T>C (p.Leu347Pro)

Gene: BRIP1 (BRCA1 interacting DNA helicase 1; minus strand). Cytogenetic location: 17q23.2.
Variant type: single nucleotide variant.
Coding change: c.1040T>C on transcript NM_032043.3 (MANE Select); coding-DNA position 1040, T replaced by C.
Protein change: p.Leu347Pro; replaces leucine 347 with proline.
Molecular consequence: missense variant.
Genome position (GRCh38, 1-based): chr17:61,801,353, A>G on the plus strand (T>C on the coding strand, the complement: BRIP1 is on the minus strand). VCF-style: chr17-61801353-A-G. GRCh37 (hg19) VCF-style: chr17-59878714-A-G.
Other names: short protein forms L347P.
Identifiers: ClinVar variation 184958 (VCV000184958.32), dbSNP rs786201819, ClinGen allele CA190582.